The following is an entry in ClinVar:

NM_000368.5(TSC1):c.1364C>G (p.Thr455Ser)

Gene: TSC1 (TSC complex subunit 1; minus strand). Cytogenetic location: 9q34.13.
Variant type: single nucleotide variant.
Coding change: c.1364C>G on transcript NM_000368.5 (MANE Select); coding-DNA position 1364, C replaced by G.
Protein change: p.Thr455Ser; replaces threonine 455 with serine.
Molecular consequence: missense variant. On other transcripts: non-coding transcript variant (5).
Genome position (GRCh38, 1-based): chr9:132,906,805, G>C on the plus strand (C>G on the coding strand, the complement: TSC1 is on the minus strand). VCF-style: chr9-132906805-G-C. GRCh37 (hg19) VCF-style: chr9-135782192-G-C.
Other names: c.1361C>G, p.Thr454Ser (NM_001162426.2, NM_001406608.1, NM_001406609.1 and 6 more transcripts); c.1211C>G, p.Thr404Ser (NM_001162427.2, NM_001406610.1); c.1001C>G, p.Thr334Ser (NM_001362177.2, NM_001406614.1, NM_001406615.1 and 5 more transcripts); c.1364C>G, p.Thr455Ser (NM_001406592.1, NM_001406593.1, NM_001406594.1 and 7 more transcripts); c.1208C>G, p.Thr403Ser (NM_001406611.1, NM_001406612.1, NM_001406613.1); c.413C>G, p.Thr138Ser (NM_001406626.1); c.410C>G, p.Thr137Ser (NM_001406627.1, NM_001406628.1); c.311C>G, p.Thr104Ser (NM_001406629.1, NM_001406630.1); and 1 more; short protein forms T104S, T333S, T455S, T137S, T403S, T138S, T454S, T334S.
Identifiers: ClinVar variation 2814872 (VCV002814872.3), dbSNP rs1325064558, ClinGen allele CA375365999.

ClinVar aggregate classification (germline): Uncertain significance (1 of 4 stars; one submission).

Conditions:
Tuberous sclerosis 1 (TSC1). Identifiers: Orphanet 805, MedGen C1854465, MONDO:0008612, OMIM 191100.

Submission:

Labcorp Genetics (formerly Invitae), Labcorp
Classification: Uncertain significance for Tuberous sclerosis 1. Last evaluated: 2022-11-18. Review status: criteria provided, single submitter. Criteria: Invitae Variant Classification Sherloc (09022015). Collection method: clinical testing. Allele origin: germline.
Comment: This sequence change replaces threonine, which is neutral and polar, with serine, which is neutral and polar, at codon 455 of the TSC1 protein (p.Thr455Ser). This variant is not present in population databases (gnomAD no frequency). This variant has not been reported in the literature in individuals affected with TSC1-related conditions. Advanced modeling of protein sequence and biophysical properties (such as structural, functional, and spatial information, amino acid conservation, physicochemical variation, residue mobility, and thermodynamic stability) performed at Invitae indicates that this missense variant is not expected to disrupt TSC1 protein function. In summary, the available evidence is currently insufficient to determine the role of this variant in disease. Therefore, it has been classified as a Variant of Uncertain Significance.